The following is an entry in ClinVar:

NM_000059.4(BRCA2):c.7008-2A>G

Gene: BRCA2 (BRCA2 DNA repair associated; plus strand). Cytogenetic location: 13q13.1.
Variant type: single nucleotide variant.
Coding change: c.7008-2A>G on transcript NM_000059.4 (MANE Select); the canonical splice acceptor site of the intron before coding-DNA position 7008, A replaced by G.
Molecular consequence: splice acceptor variant.
Genome position (GRCh38, 1-based): chr13:32,354,859, A>G. VCF-style: chr13-32354859-A-G. GRCh37 (hg19) VCF-style: chr13-32928996-A-G.
Other names: IVS13-2A>G; c.7008-2A>G (NM_001406720.1); c.6912-2A>G (NM_001406719.1); c.2076-2A>G (NM_001406721.1); c.591-2A>G (NM_001406722.1).
Identifiers: ClinVar variation 52245 (VCV000052245.23), dbSNP rs81002823, ClinGen allele CA024734.

ClinVar aggregate classification (germline): Pathogenic. Review status: reviewed by expert panel (3 of 4 stars). 11 submissions from 11 submitters: Pathogenic (1). 10 of the submissions do not count toward it. Last evaluated 2019-06-18.

Conditions:
Hereditary cancer-predisposing syndrome. Also called: Hereditary neoplastic syndrome; Neoplastic Syndromes, Hereditary; Hereditary Cancer Syndrome; Tumor predisposition. Identifiers: Orphanet 140162, MedGen C0027672, MeSH D009386, MONDO:0015356.
Hereditary breast ovarian cancer syndrome. Also called: Hereditary breast and ovarian cancer; BRCA1- and BRCA2-Associated Hereditary Breast and Ovarian Cancer; Hereditary breast and/or ovarian cancer syndrome; Hereditary breast and ovarian cancer syndrome; Hereditary breast and ovarian cancer syndrome (HBOC); Breast and ovarian cancer. Identifiers: Orphanet 145, MedGen C0677776, MeSH D061325, MONDO:0003582. Disease mechanism: loss of function.
Breast-ovarian cancer, familial, susceptibility to, 2 (BROVCA2). Also called: BRCA2 Hereditary Breast and Ovarian Cancer. Identifiers: Orphanet 145, MedGen C2675520, MONDO:0012933, OMIM 612555. Disease mechanism: loss of function.
Familial cancer of breast. Also called: BREAST CANCER, FAMILIAL; hereditary breast carcinoma; Hereditary breast cancer. Identifiers: Orphanet 227535, MedGen C0346153, MONDO:0016419, OMIM 114480. Disease mechanism: loss of function.

Submissions (11):

Evidence-based Network for the Interpretation of Germline Mutant Alleles (ENIGMA)
Classification: Pathogenic for Breast-ovarian cancer, familial, susceptibility to, 2. Last evaluated: 2019-06-18. Review status: reviewed by expert panel. Criteria: ENIGMA BRCA1/2 Classification Criteria (2017-06-29). Collection method: curation. Allele origin: germline.
Comment: IARC class based on posterior probability from multifactorial likelihood analysis, thresholds for class as per Plon et al. 2008 (PMID: 18951446). Class 5 based on posterior probability = 0.992127

Dasa
Classification: Pathogenic. Last evaluated: 2025-07-30. Review status: criteria provided, single submitter. Criteria: DASA Assertion Criteria. Collection method: clinical testing. Allele origin: germline. Not counted in ClinVar's aggregate classification.
Comment: NM_000059.4(BRCA2):c.7008-2A>G introduces a premature termination codon predicted to result in loss of normal protein function. Loss-of-function is an established mechanism of disease for this gene. Functional evidence supports a deleterious effect on the gene or gene product (PMID: 23893897; PMID: 31131967). This variant has been recurrently observed in individuals with related phenotype (PMID: 23893897; PMID: 31131967). The variant is present at low frequency in population datasets. Based on the available data, this variant is classified as pathogenic.

Labcorp Genetics (formerly Invitae), Labcorp
Classification: Pathogenic for Hereditary breast ovarian cancer syndrome. Last evaluated: 2024-07-09. Review status: criteria provided, single submitter. Criteria: Invitae Variant Classification Sherloc (09022015). Collection method: clinical testing. Allele origin: germline. Not counted in ClinVar's aggregate classification.
Comment: This sequence change affects an acceptor splice site in intron 13 of the BRCA2 gene. RNA analysis indicates that disruption of this splice site induces altered splicing and may result in an absent or altered protein product. This variant is not present in population databases (gnomAD no frequency). Disruption of this splice site has been observed in individual(s) with personal and/or family history of breast and/or ovarian cancer (PMID: 17011978, 25980754, 29446198). This variant is also known as IVS13-2A>G. ClinVar contains an entry for this variant (Variation ID: 52245). Studies have shown that disruption of this splice site alters mRNA splicing and is expected to lead to the loss of protein expression (PMID: 17011978, 19179552, 22505045, 23451180, 31191615; Invitae). For these reasons, this variant has been classified as Pathogenic.

Revvity Omics, Revvity
Classification: Pathogenic. Last evaluated: 2023-02-22. Review status: criteria provided, single submitter. Criteria: ACMG Guidelines, 2015. Collection method: clinical testing. Allele origin: germline. Not counted in ClinVar's aggregate classification.

Baylor Genetics
Classification: Pathogenic for Familial cancer of breast. Last evaluated: 2022-07-15. Review status: criteria provided, single submitter. Criteria: ACMG Guidelines, 2015. Collection method: clinical testing. Allele origin: unknown. Not counted in ClinVar's aggregate classification.

Ambry Genetics
Classification: Pathogenic for Hereditary cancer-predisposing syndrome. Last evaluated: 2022-01-20. Review status: criteria provided, single submitter. Criteria: Ambry Variant Classification Scheme 2023. Collection method: clinical testing. Allele origin: germline. Not counted in ClinVar's aggregate classification.
Comment: The c.7008-2A>G intronic pathogenic mutation results from an A to G substitution two nucleotides upstream from coding exon 13 in the BRCA2 gene. RNA studies have demonstrated that this alteration results in abnormal splicing in the set of samples tested (Ambry internal data; Bonatti F et al. Cancer Genet. Cytogenet. 2006 Oct;170:93-101). Of note, this alteration is also designated as IVS13-2A>G in published literature. This alteration was also classified as pathogenic in a multifactorial model of variant interpretation that incorporates co-segregation, family history, co-occurrence, tumor pathology and case-control data (Parsons MT et al. Hum Mutat 2019 09;40(9):1557-1578). This variant is considered to be rare based on population cohorts in the Genome Aggregation Database (gnomAD). In addition to the clinical data presented in the literature, alterations that disrupt the canonical splice site are expected to cause aberrant splicing, resulting in an abnormal protein or a transcript that is subject to nonsense-mediated mRNA decay. As such, this alteration is classified as a disease-causing mutation.

Quest Diagnostics Nichols Institute San Juan Capistrano
Classification: Pathogenic. Last evaluated: 2021-11-23. Review status: criteria provided, single submitter. Criteria: Quest Diagnostics criteria. Collection method: clinical testing. Allele origin: unknown. Not counted in ClinVar's aggregate classification.
Comment: This variant disrupts a canonical splice-acceptor site and interferes with normal BRCA2 mRNA splicing. This variant has not been reported in large, multi-ethnic general populations. In the published literature, the variant has been reported in individuals and families with breast cancer (PMID: 17011978 (2006), 19491284 (2009)). Based on the available information, this variant is classified as pathogenic.

Consortium of Investigators of Modifiers of BRCA1/2 (CIMBA), c/o University of Cambridge
Classification: Pathogenic for Breast-ovarian cancer, familial, susceptibility to, 2. Last evaluated: 2015-10-02. Review status: criteria provided, single submitter. Criteria: CIMBA Mutation Classification guidelines May 2016. Collection method: clinical testing. Allele origin: germline. Not counted in ClinVar's aggregate classification.

BRCAlab, Lund University
Classification: Pathogenic for Breast-ovarian cancer, familial, susceptibility to, 2. Last evaluated: 2020-03-02. Review status: no assertion criteria provided. Collection method: clinical testing. Allele origin: germline. Affected: yes. Not counted in ClinVar's aggregate classification.

Research Molecular Genetics Laboratory, Women's College Hospital, University of Toronto
Classification: Pathogenic for Hereditary breast ovarian cancer syndrome. Last evaluated: 2014-01-31. Review status: no assertion criteria provided. Collection method: research. Allele origin: germline. Affected: yes. Study: The Canadian Open Genetics Repository (COGR). Not counted in ClinVar's aggregate classification.

Breast Cancer Information Core (BIC) (BRCA2)
Classification: Pathogenic for Breast-ovarian cancer, familial 2. Last evaluated: 2004-02-20. Review status: no assertion criteria provided. Collection method: clinical testing. Allele origin: germline. Affected: yes. Observed: 1 variant allele. Not counted in ClinVar's aggregate classification.

Literature cited by the submitters: PubMed 31131967 (cited by 4 submitters); PubMed 23893897 (cited by Dasa); PubMed 17011978 (cited by 3 submitters); PubMed 25980754 (cited by Labcorp Genetics (formerly Invitae), Labcorp and Quest Diagnostics Nichols Institute San Juan Capistrano); PubMed 29446198 (cited by Labcorp Genetics (formerly Invitae), Labcorp); PubMed 19179552 (cited by Labcorp Genetics (formerly Invitae), Labcorp); PubMed 22505045 (cited by Labcorp Genetics (formerly Invitae), Labcorp); PubMed 23451180 (cited by Labcorp Genetics (formerly Invitae), Labcorp); PubMed 31191615 (cited by Labcorp Genetics (formerly Invitae), Labcorp); PubMed 19491284 (cited by Ambry Genetics and Quest Diagnostics Nichols Institute San Juan Capistrano).